The following is an entry in ClinVar:

ClinVar aggregate classification (germline): Benign (1 of 4 stars; one submission).

Allele frequency attached by ClinVar (database versions not stated): 1000 Genomes Project 30x 0.06496; 1000 Genomes Project 0.06550; TOPMed 0.09568; gnomAD 0.10497 and 0.10710.
gnomAD v4.1: 15,764 of 149,522 alleles (11%); highest among the groups gnomAD compares: Middle Eastern, 18%; 1,017 homozygotes.

Submission:

GeneDx
Classification: Benign. Last evaluated: 2018-06-14. Review status: criteria provided, single submitter. Criteria: GeneDx Variant Classification (06012015). Collection method: clinical testing. Allele origin: germline. Affected: yes.
Comment: This variant is considered likely benign or benign based on one or more of the following criteria: it is a conservative change, it occurs at a poorly conserved position in the protein, it is predicted to be benign by multiple in silico algorithms, and/or has population frequency not consistent with disease.

NM_201596.3(CACNB2):c.1489-273A>C

Gene: CACNB2 (calcium voltage-gated channel auxiliary subunit beta 2; plus strand). Cytogenetic location: 10p12.31.
Variant type: single nucleotide variant.
Coding change: c.1489-273A>C on transcript NM_201596.3 (MANE Select); 273 bases into the intron before coding-DNA position 1489, A replaced by C.
Molecular consequence: intron variant.
Genome position (GRCh38, 1-based): chr10:18,538,957, A>C. VCF-style: chr10-18538957-A-C. GRCh37 (hg19) VCF-style: chr10-18827886-A-C.
Other names: c.1405-273A>C (NM_201571.4); c.1291-273A>C (NM_001167945.2); c.1333-273A>C (NM_201572.4); c.1375-273A>C (NM_201593.3); c.1417-273A>C (NM_201597.3); c.1324-273A>C (NM_000724.4); c.1210-273A>C (NM_001330060.2); c.1327-273A>C (NM_201590.3); and 1 more.
Identifiers: ClinVar variation 683299 (VCV000683299.1), dbSNP rs76540339, ClinGen allele CA203167001.